The following is an entry in ClinVar:

NM_001204.7(BMPR2):c.1276+1G>A

Gene: BMPR2 (bone morphogenetic protein receptor type 2; plus strand). Cytogenetic location: 2q33.2.
Variant type: single nucleotide variant.
Coding change: c.1276+1G>A on transcript NM_001204.7 (MANE Select); the canonical splice donor site of the intron after coding-DNA position 1276, G replaced by A.
Molecular consequence: splice donor variant.
Genome position (GRCh38, 1-based): chr2:202,532,733, G>A. VCF-style: chr2-202532733-G-A. GRCh37 (hg19) VCF-style: chr2-203397456-G-A.
Identifiers: ClinVar variation 425911 (VCV000425911.4), dbSNP rs767070218, ClinGen allele CA2061325.

ClinVar aggregate classification (germline): Pathogenic/Likely pathogenic. Review status: criteria provided, multiple submitters, no conflicts (2 of 4 stars). 3 submissions from 3 submitters: Pathogenic (1); Likely pathogenic (1). 1 of the submissions does not count toward it. Last evaluated 2024-09-24.

Conditions:
Pulmonary arterial hypertension associated with congenital heart disease. Identifiers: Orphanet 275803, MedGen C3697119, MONDO:0017152.
Pulmonary hypertension, primary, 1 (PPH1). Also called: Pulmonary hypertension, familial primary, 1, with or without HHT. Identifiers: Orphanet 422, MedGen C4552070, MONDO:0024533, OMIM 178600.
Primary pulmonary hypertension. Also called: Idiopathic pulmonary hypertension. Identifiers: MedGen C0152171.

Allele frequency attached by ClinVar (database versions not stated): ExAC 0.00001.

Submissions (3):

Labcorp Genetics (formerly Invitae), Labcorp
Classification: Pathogenic for Primary pulmonary hypertension. Last evaluated: 2024-09-24. Review status: criteria provided, single submitter. Criteria: Invitae Variant Classification Sherloc (09022015). Collection method: clinical testing. Allele origin: germline.
Comment: This sequence change affects a donor splice site in intron 9 of the BMPR2 gene. It is expected to disrupt RNA splicing. Variants that disrupt the donor or acceptor splice site typically lead to a loss of protein function (PMID: 16199547), and loss-of-function variants in BMPR2 are known to be pathogenic (PMID: 16429395). This variant is not present in population databases (gnomAD no frequency). Disruption of this splice site has been observed in individuals with pulmonary arterial hypertension (PMID: 18503968, 30029678; internal data). ClinVar contains an entry for this variant (Variation ID: 425911). Algorithms developed to predict the effect of sequence changes on RNA splicing suggest that this variant may disrupt the consensus splice site. For these reasons, this variant has been classified as Pathogenic.

Wendy Chung Laboratory, Boston Children's Hospital
Classification: Likely pathogenic for Pulmonary arterial hypertension associated with congenital heart disease. Last evaluated: 2018-06-27. Review status: criteria provided, single submitter. Criteria: ACMG Guidelines, 2015. Collection method: case-control. Allele origin: unknown. Affected: yes. Observed: 1 variant allele.

Rare Disease Genomics Group, St George's University of London
Classification: Pathogenic for Primary pulmonary hypertension. Review status: no assertion criteria provided. Collection method: literature only. Allele origin: germline. Affected: yes. Not counted in ClinVar's aggregate classification.

Literature cited by the submitters: PubMed 16199547 (cited by Labcorp Genetics (formerly Invitae), Labcorp); PubMed 16429395 (cited by Labcorp Genetics (formerly Invitae), Labcorp); PubMed 18503968 (cited by Labcorp Genetics (formerly Invitae), Labcorp); PubMed 30029678 (cited by Labcorp Genetics (formerly Invitae), Labcorp and Wendy Chung Laboratory, Boston Children's Hospital); PubMed 19555857 (cited by Rare Disease Genomics Group, St George's University of London).